The following is an entry in ClinVar:

ClinVar aggregate classification (germline): Conflicting classifications of pathogenicity. Review status: criteria provided, conflicting classifications (1 of 4 stars). 11 submissions from 11 submitters: Uncertain significance (10); Likely benign (1). Last evaluated 2025-09-11.

Conditions:
MASS syndrome (OCTD). Also called: OVERLAP CONNECTIVE TISSUE DISEASE; MASS PHENOTYPE. Identifiers: MedGen C1858556, MONDO:0011431, OMIM 604308.
Progeroid and marfanoid aspect-lipodystrophy syndrome. Also called: MARFANOID-PROGEROID SYNDROME; MARFAN-PROGEROID-LIPODYSTROPHY SYNDROME; Marfan lipodystrophy syndrome; MARFANOID-PROGEROID-LIPODYSTROPHY SYNDROME. Identifiers: Orphanet 300382, MedGen C4310796, MONDO:0014831, OMIM 616914.
Ectopia lentis 1, isolated, autosomal dominant (ECTOL1). Identifiers: Orphanet 1885, MedGen C3541518, MONDO:0007514, OMIM 129600.
Weill-Marchesani syndrome 2, dominant. Also called: Weill-Marchesani Syndrome, Autosomal Dominant; FBN1-Related Weill-Marchesani Syndrome. Identifiers: Orphanet 2084, MedGen C1869115, MONDO:0012013, OMIM 608328.
Acromicric dysplasia (ACMICD). Also called: Acromicric skeletal dysplasia. Identifiers: Orphanet 969, MedGen C0265287, MONDO:0007055, OMIM 102370.
Geleophysic dysplasia 2 (GPHYSD2). Identifiers: Orphanet 2623, MedGen C3280054, MONDO:0013612, OMIM 614185.
Stiff skin syndrome (SSKS). Identifiers: Orphanet 2833, MedGen C1861456, MONDO:0008492, OMIM 184900.
Marfan syndrome (MFS). Also called: Marfan syndrome type 1; Marfan syndrome, classic; Marfan's syndrome; FBN1-Related Marfan Syndrome; MARFAN SYNDROME, TYPE I. Identifiers: Orphanet 284963, Orphanet 558, MedGen C0024796, MONDO:0007947, OMIM 154700.
Familial thoracic aortic aneurysm and aortic dissection (TAAD). Also called: Thoracic aortic aneurysms and dissections. Identifiers: Orphanet 91387, MedGen C4707243, MONDO:0019625.

Allele frequency attached by ClinVar (database versions not stated): gnomAD exomes 0.00002 and 0.00005; TOPMed 0.00007; ESP Exome Variant Server 0.00008; ExAC 0.00002.
gnomAD v4.1: 93 of 1,613,884 alleles (0.0058%); highest among the groups gnomAD compares: Non-Finnish European, 0.0065%; no homozygotes.

Submissions (11):

Ambry Genetics
Classification: Uncertain significance for Familial thoracic aortic aneurysm and aortic dissection. Last evaluated: 2025-09-11. Review status: criteria provided, single submitter. Criteria: Ambry Variant Classification Scheme 2023. Collection method: clinical testing. Allele origin: germline.
Comment: The p.P1453L variant (also known as c.4358C>T), located in coding exon 35 of the FBN1 gene, results from a C to T substitution at nucleotide position 4358. The proline at codon 1453 is replaced by leucine, an amino acid with similar properties, and is located in the cbEGF-like #21 domain. This amino acid position is not well conserved in available vertebrate species. In addition, the in silico prediction for this alteration is inconclusive. Since supporting evidence is limited at this time, the clinical significance of this alteration remains unclear.

Labcorp Genetics (formerly Invitae), Labcorp
Classification: Uncertain significance for Marfan syndrome; Familial thoracic aortic aneurysm and aortic dissection. Last evaluated: 2024-12-06. Review status: criteria provided, single submitter. Criteria: Invitae Variant Classification Sherloc (09022015). Collection method: clinical testing. Allele origin: germline.
Comment: This sequence change replaces proline, which is neutral and non-polar, with leucine, which is neutral and non-polar, at codon 1453 of the FBN1 protein (p.Pro1453Leu). This variant is present in population databases (rs368650399, gnomAD 0.006%). This missense change has been observed in individual(s) with thoracic aortic aneurysm and/or dissection (PMID: 36517271). ClinVar contains an entry for this variant (Variation ID: 501654). Invitae Evidence Modeling of protein sequence and biophysical properties (such as structural, functional, and spatial information, amino acid conservation, physicochemical variation, residue mobility, and thermodynamic stability) has been performed for this missense variant. However, the output from this modeling did not meet the statistical confidence thresholds required to predict the impact of this variant on FBN1 protein function. In summary, the available evidence is currently insufficient to determine the role of this variant in disease. Therefore, it has been classified as a Variant of Uncertain Significance.

Women's Health and Genetics/Laboratory Corporation of America, LabCorp
Classification: Uncertain significance. Last evaluated: 2024-10-28. Review status: criteria provided, single submitter. Criteria: LabCorp Variant Classification Summary - May 2015. Collection method: clinical testing. Allele origin: germline.
Comment: Variant summary: FBN1 c.4358C>T (p.Pro1453Leu) results in a non-conservative amino acid change located in the EGF-like domain (IPR000742) of the encoded protein sequence. Three of five in-silico tools predict a damaging effect of the variant on protein function. The variant allele was found at a frequency of 2.4e-05 in 251238 control chromosomes. The available data on variant occurrences in the general population are insufficient to allow any conclusion about variant significance. c.4358C>T has been reported in the literature in an individual affected with thoracic aortic aneurysm and dissection (Yang_2023). This report does not provide unequivocal conclusions about association of the variant with Marfan Syndrome. To our knowledge, no experimental evidence demonstrating an impact on protein function has been reported. The following publication has been ascertained in the context of this evaluation (PMID: 36517271). ClinVar contains an entry for this variant (Variation ID: 501654). Based on the evidence outlined above, the variant was classified as uncertain significance.

Color Diagnostics, LLC DBA Color Health
Classification: Uncertain significance for Familial thoracic aortic aneurysm and aortic dissection. Last evaluated: 2024-03-21. Review status: criteria provided, single submitter. Criteria: ACMG Guidelines, 2015. Collection method: clinical testing. Allele origin: germline.
Comment: This missense variant replaces proline with leucine at codon 1453 of the FBN1 protein. Computational prediction tools indicate that this variant has a neutral impact on protein structure and function. To our knowledge, functional studies have not been reported for this variant. This variant has been reported in one individual affected with familial thoracic aortic aneurysm and dissection (PMID: 36517271). This variant has been identified in 9/282622 chromosomes in the general population by the Genome Aggregation Database (gnomAD). The available evidence is insufficient to determine the role of this variant in disease conclusively. Therefore, this variant is classified as a Variant of Uncertain Significance.

All of Us Research Program, National Institutes of Health
Classification: Uncertain significance for Marfan syndrome. Last evaluated: 2023-12-01. Review status: criteria provided, single submitter. Criteria: ACMG Guidelines, 2015. Collection method: clinical testing. Allele origin: germline. Inheritance: Autosomal dominant inheritance. Observed: 12 variant alleles, 12 heterozygotes.
Comment: This missense variant replaces proline with leucine at codon 1453 of the FBN1 protein. Computational prediction suggests that this variant may not impact protein structure and function (internally defined REVEL score threshold <= 0.5, PMID: 27666373). To our knowledge, functional studies have not been reported for this variant. This variant has not been reported in individuals affected with cardiovascular disorders in the literature. This variant has been identified in 9/282622 chromosomes in the general population by the Genome Aggregation Database (gnomAD). The available evidence is insufficient to determine the role of this variant in disease conclusively. Therefore, this variant is classified as a Variant of Uncertain Significance.

This study involves interpretation of variants in research participants for the purpose of population health screening. Participant phenotype was not available at the time of variant classification. Additional details can be found in publication PMID: 35346344, PMCID: PMC8962531

GeneDx
Classification: Uncertain significance. Last evaluated: 2023-09-26. Review status: criteria provided, single submitter. Criteria: GeneDx Variant Classification Process June 2021. Collection method: clinical testing. Allele origin: germline. Affected: yes.
Comment: Identified in a patient with non-syndromic thoracic aortic aneurysm and dissection (TAAD) in published literature (Yang et al., 2022); Although located in a calcium-binding EGF-like domain of the FBN1 gene, it does not affect a cysteine residue within this domain; cysteine substitutions in the calcium-binding EGF-like domains represent the majority of pathogenic missense changes associated with FBN1-related disorders (Collod-Beroud et al., 2003); In silico analysis supports that this missense variant does not alter protein structure/function; This variant is associated with the following publications: (PMID: Yang2022[CaseReport])

Blueprint Genetics
Classification: Likely benign. Last evaluated: 2023-07-26. Review status: criteria provided, single submitter. Criteria: ACMG Guidelines, 2015. Collection method: clinical testing. Allele origin: germline.

Victorian Clinical Genetics Services, Murdoch Childrens Research Institute
Classification: Uncertain significance for Marfan syndrome. Last evaluated: 2023-07-16. Review status: criteria provided, single submitter. Criteria: ACMG Guidelines, 2015. Collection method: clinical testing. Allele origin: germline. Inheritance: Autosomal dominant inheritance. Affected: yes.
Comment: Based on the classification scheme VCGS_Germline_v1.3.4, this variant is classified as VUS-3C. Following criteria are met: 0103 - Dominant negative and loss of function are known mechanisms of disease in this gene and are associated with FBN1-related disease. Variants predicted to result in nonsense mediated decay cause loss of function effects, and are more commonly associated with severe Marfan syndrome (MIM#154700). Missense variants with both dominant negative and loss of function effects on protein function, are associated with Marfan syndrome and ectopia lentis (MIM#129600) (OMIM, PMID: 29357934). The exact genotype-phenotype correlation for this gene is still unclear, and is compounded by variable expressivity (PMID: 20301510). (I) 0107 - This gene is predominantly associated with autosomal dominant disease; autosomal recessive forms of Marfan syndrome have rarely been reported (PMID: 27274304; 31950671). 0115 - Variants in this gene are known to have variable expressivity. The genotype-phenotype correlations for this gene are unclear, with single variants reported in patients with a range of phenotypes (PMID: 20301510, OMIM). (I) 0200 - Variant is predicted to result in a missense amino acid change from proline to leucine. (I) 0251 - This variant is heterozygous. (I) 0302 - Variant is present in gnomAD (v2 and v3) <0.001 for a dominant condition (17 heterozygotes, 0 homozygotes). (SP) 0309 - Multiple alternative amino acid changes at the same position have been observed in gnomAD (v2) (highest allele count: 1 heterozygote, 0 homozygotes). (I) 0502 - Missense variant with conflicting in silico predictions and uninformative conservation. (I) 0600 - Variant is located in the annotated calcium-binding EGF domain (DECIPHER). (I) 0705 - No comparable missense variants have previous evidence for pathogenicity. (I) 0809 - Previous evidence of pathogenicity for this variant is inconclusive.This variant has been classified as a VUS by multiple clinical laboratories in ClinVar. (I) 0905 - No published segregation evidence has been identified for this variant. (I) 1007 - No published functional evidence has been identified for this variant. (I) 1208 - Inheritance information for this variant is not currently available in this individual. (I) Legend: (SP) - Supporting pathogenic, (I) - Information, (SB) - Supporting benign

Department of Pathology and Laboratory Medicine, Sinai Health System
Classification: Uncertain significance for Acromicric dysplasia; Ectopia lentis 1, isolated, autosomal dominant; Marfan syndrome; Stiff skin syndrome; MASS syndrome; Weill-Marchesani syndrome 2, dominant; Geleophysic dysplasia 2; Progeroid and marfanoid aspect-lipodystrophy syndrome. Last evaluated: 2021-10-18. Review status: criteria provided, single submitter. Criteria: ACMG Guidelines, 2015. Collection method: research. Allele origin: germline.

Fulgent Genetics
Classification: Uncertain significance for Acromicric dysplasia; Ectopia lentis 1, isolated, autosomal dominant; Marfan syndrome; Stiff skin syndrome; MASS syndrome; Weill-Marchesani syndrome 2, dominant; Geleophysic dysplasia 2; Progeroid and marfanoid aspect-lipodystrophy syndrome. Last evaluated: 2021-10-09. Review status: criteria provided, single submitter. Criteria: ACMG Guidelines, 2015. Collection method: clinical testing. Allele origin: unknown.

Eurofins Ntd Llc (ga)
Classification: Uncertain significance. Last evaluated: 2017-05-05. Review status: criteria provided, single submitter. Criteria: EGL Classification Definitions 2015. Collection method: clinical testing. Allele origin: germline. Observed: 1 variant allele, 1 heterozygote.

Literature cited by the submitters: PubMed 36517271 (cited by 4 submitters); NCBI Bookshelf NBK1335 (cited by Victorian Clinical Genetics Services, Murdoch Childrens Research Institute); PubMed 20301510 (cited by Victorian Clinical Genetics Services, Murdoch Childrens Research Institute); PubMed 27274304 (cited by Victorian Clinical Genetics Services, Murdoch Childrens Research Institute); PubMed 29357934 (cited by Victorian Clinical Genetics Services, Murdoch Childrens Research Institute); PubMed 31950671 (cited by Victorian Clinical Genetics Services, Murdoch Childrens Research Institute).

NM_000138.5(FBN1):c.4358C>T (p.Pro1453Leu)

Gene: FBN1 (fibrillin 1; minus strand). Cytogenetic location: 15q21.1.
Variant type: single nucleotide variant.
Coding change: c.4358C>T on transcript NM_000138.5 (MANE Select); coding-DNA position 4358, C replaced by T.
Protein change: p.Pro1453Leu; replaces proline 1453 with leucine.
Molecular consequence: missense variant.
Genome position (GRCh38, 1-based): chr15:48,470,735, G>A on the plus strand (C>T on the coding strand, the complement: FBN1 is on the minus strand). VCF-style: chr15-48470735-G-A. GRCh37 (hg19) VCF-style: chr15-48762932-G-A.
Other names: short protein forms P1453L.
Identifiers: ClinVar variation 501654 (VCV000501654.34), dbSNP rs368650399, ClinGen allele CA052719.